The following is an entry in ClinVar:

NM_001103146.3(GIGYF2):c.1731C>T (p.Phe577=)

Gene: GIGYF2 (GRB10 interacting GYF protein 2; plus strand). Cytogenetic location: 2q37.1.
Variant type: single nucleotide variant.
Coding change: c.1731C>T on transcript NM_001103146.3 (MANE Select); coding-DNA position 1731, C replaced by T.
Protein change: p.Phe577=; no amino-acid change (phenylalanine 577 retained).
Molecular consequence: synonymous variant. On other transcripts: non-coding transcript variant (1).
Genome position (GRCh38, 1-based): chr2:232,806,582, C>T. VCF-style: chr2-232806582-C-T. GRCh37 (hg19) VCF-style: chr2-233671292-C-T.
Other names: c.1794C>T, p.Phe598= (NM_001103147.2); c.1713C>T, p.Phe571= (NM_001103148.2); c.1731C>T, p.Phe577= (NM_015575.4).
Identifiers: ClinVar variation 3033387 (VCV003033387.3), dbSNP rs114460769, ClinGen allele CA2170426.
Genomic context (GRCh38, chr2:232,806,582, plus strand): 5'-GTTTCAGGCGGGCTATTTTACTATGTCTTTATTGGTGAAGAGAGCGTGTGATGAAAGCTT[C>T]CAACCTCTTGGCGATATCATGAAAATGTGGGGAAGGGTTCCCTTTTCTCCAGGTCCAGCT-3'
Protein context (NP_001096616.1, residues 567-587): LLVKRACDES[Phe577=]QPLGDIMKMW

ClinVar aggregate classification (germline): Likely benign. Review status: criteria provided, single submitter (1 of 4 stars). 2 submissions from 2 submitters: Likely benign (1). 1 of the submissions does not count toward it. Last evaluated 2024-10-24.

Conditions:
GIGYF2-related disorder. Also called: GIGYF2-related condition.

Allele frequency attached by ClinVar (database versions not stated): gnomAD exomes 0.00047; ExAC 0.00152; 1000 Genomes Project 0.00399; 1000 Genomes Project 30x 0.00406; gnomAD 0.00501; TOPMed 0.00538; ESP Exome Variant Server 0.00607.
gnomAD v4.1: 1,461 of 1,612,610 alleles (0.091%); highest among the groups gnomAD compares: African/African-American, 1.8%; 11 homozygotes.

Submissions (2):

Blueprint Genetics
Classification: Likely benign. Last evaluated: 2024-10-24. Review status: criteria provided, single submitter. Criteria: ACMG Guidelines, 2015. Collection method: clinical testing. Allele origin: germline.

PreventionGenetics, part of Exact Sciences
Classification: Benign for GIGYF2-related condition. Last evaluated: 2019-06-11. Review status: no assertion criteria provided. Collection method: clinical testing. Allele origin: germline. Not counted in ClinVar's aggregate classification.
Comment: This variant is classified as benign based on ACMG/AMP sequence variant interpretation guidelines (Richards et al. 2015 PMID: 25741868, with internal and published modifications).